The following is an entry in ClinVar:

NM_001127496.3(SPRY4):c.230C>T (p.Thr77Met)

Gene: SPRY4 (sprouty RTK signaling antagonist 4; minus strand). Cytogenetic location: 5q31.3.
Variant type: single nucleotide variant.
Coding change: c.230C>T on transcript NM_001127496.3 (MANE Select); coding-DNA position 230, C replaced by T.
Protein change: p.Thr77Met; replaces threonine 77 with methionine.
Molecular consequence: missense variant.
Genome position (GRCh38, 1-based): chr5:142,314,879, G>A on the plus strand (C>T on the coding strand, the complement: SPRY4 is on the minus strand). VCF-style: chr5-142314879-G-A. GRCh37 (hg19) VCF-style: chr5-141694444-G-A.
Other names: c.230C>T, p.Thr77Met (NM_001293289.3, NM_001293290.3); c.299C>T, p.Thr100Met (NM_030964.5); short protein forms T77M, T100M.
Identifiers: ClinVar variation 2081087 (VCV002081087.5), dbSNP rs774674946, ClinGen allele CA3485596.

ClinVar aggregate classification (germline): Uncertain significance. Review status: criteria provided, multiple submitters, no conflicts (2 of 4 stars). 2 submissions from 2 submitters: Uncertain significance (2). Last evaluated 2025-07-30.

Allele frequency attached by ClinVar (database versions not stated): TOPMed 0.00010; gnomAD exomes 0.00014; gnomAD 0.00011; ExAC 0.00014.
gnomAD v4.1: 212 of 1,598,978 alleles (0.013%); highest among the groups gnomAD compares: Admixed American, 0.042%; no homozygotes.

Submissions (2):

Women's Health and Genetics/Laboratory Corporation of America, LabCorp
Classification: Uncertain significance. Last evaluated: 2025-07-30. Review status: criteria provided, single submitter. Criteria: LabCorp Variant Classification Summary - May 2015. Collection method: clinical testing. Allele origin: germline.
Comment: Variant summary: SPRY4 c.299C>T (p.Thr100Met) results in a non-conservative amino acid change in the encoded protein sequence. Algorithms developed to predict the effect of missense changes on protein structure and function are either unavailable or do not agree on the potential impact of this missense change. The variant allele was found at a frequency of 0.00015 in 239982 control chromosomes. This frequency is not significantly higher than estimated for a pathogenic variant in SPRY4 causing Hypogonadotropic Hypogonadism 17 With Or Without Anosmia, allowing no conclusion about variant significance. c.299C>T has been observed in individual(s) affected with Kallmann syndrome (Miraoui_2013). These report(s) do not provide unequivocal conclusions about association of the variant with Hypogonadotropic Hypogonadism 17 With Or Without Anosmia. To our knowledge, no experimental evidence demonstrating an impact on protein function has been reported. The following publication has been ascertained in the context of this evaluation (PMID: 23643382). ClinVar contains an entry for this variant (Variation ID: 2081087). Based on the evidence outlined above, the variant was classified as uncertain significance.

Labcorp Genetics (formerly Invitae), Labcorp
Classification: Uncertain significance. Last evaluated: 2023-11-07. Review status: criteria provided, single submitter. Criteria: Invitae Variant Classification Sherloc (09022015). Collection method: clinical testing. Allele origin: germline.
Comment: This sequence change replaces threonine, which is neutral and polar, with methionine, which is neutral and non-polar, at codon 100 of the SPRY4 protein (p.Thr100Met). This variant is present in population databases (rs774674946, gnomAD 0.06%), and has an allele count higher than expected for a pathogenic variant. This missense change has been observed in individual(s) with Kallmann syndrome (PMID: 23643382). ClinVar contains an entry for this variant (Variation ID: 2081087). An algorithm developed to predict the effect of missense changes on protein structure and function (PolyPhen-2) suggests that this variant is likely to be tolerated. In summary, the available evidence is currently insufficient to determine the role of this variant in disease. Therefore, it has been classified as a Variant of Uncertain Significance.

Literature cited by the submitters: PubMed 23643382 (cited by Women's Health and Genetics/Laboratory Corporation of America, LabCorp and Labcorp Genetics (formerly Invitae), Labcorp).